The following is an entry in ClinVar:

NM_001164665.2(KIAA1549):c.1757C>T (p.Pro586Leu)

Gene: KIAA1549 (KIAA1549; minus strand). Cytogenetic location: 7q34.
Variant type: single nucleotide variant.
Coding change: c.1757C>T on transcript NM_001164665.2 (MANE Select); coding-DNA position 1757, C replaced by T.
Protein change: p.Pro586Leu; replaces proline 586 with leucine.
Molecular consequence: missense variant.
Genome position (GRCh38, 1-based): chr7:138,917,869, G>A on the plus strand (C>T on the coding strand, the complement: KIAA1549 is on the minus strand). VCF-style: chr7-138917869-G-A. GRCh37 (hg19) VCF-style: chr7-138602615-G-A.
Other names: c.1757C>T, p.Pro586Leu (NM_020910.3); short protein forms P586L.
Identifiers: ClinVar variation 954518 (VCV000954518.9), dbSNP rs777901817, ClinGen allele CA4506641.

ClinVar aggregate classification (germline): Uncertain significance. Review status: criteria provided, multiple submitters, no conflicts (2 of 4 stars). 3 submissions from 3 submitters: Uncertain significance (3). Last evaluated 2024-08-20.

Conditions:
Inborn genetic diseases. Identifiers: MedGen C0950123, MeSH D030342.

Allele frequency attached by ClinVar (database versions not stated): gnomAD 0.00001; gnomAD exomes 0.00003; TOPMed 0.00004; ExAC 0.00009.
gnomAD v4.1: 26 of 1,604,686 alleles (0.0016%); highest among the groups gnomAD compares: Non-Finnish European, 0.002%; no homozygotes.

Submissions (3):

Ambry Genetics
Classification: Uncertain significance for Inborn genetic diseases. Last evaluated: 2024-08-20. Review status: criteria provided, single submitter. Criteria: Ambry Variant Classification Scheme 2023. Collection method: clinical testing. Allele origin: germline.

Labcorp Genetics (formerly Invitae), Labcorp
Classification: Uncertain significance. Last evaluated: 2022-09-27. Review status: criteria provided, single submitter. Criteria: Invitae Variant Classification Sherloc (09022015). Collection method: clinical testing. Allele origin: germline.
Comment: This sequence change replaces proline, which is neutral and non-polar, with leucine, which is neutral and non-polar, at codon 586 of the KIAA1549 protein (p.Pro586Leu). The frequency data for this variant in the population databases is considered unreliable, as metrics indicate poor data quality at this position in the gnomAD database. This variant has not been reported in the literature in individuals affected with KIAA1549-related conditions. ClinVar contains an entry for this variant (Variation ID: 954518). Algorithms developed to predict the effect of missense changes on protein structure and function are either unavailable or do not agree on the potential impact of this missense change (SIFT: "Deleterious"; PolyPhen-2: "Benign"; Align-GVGD: "Class C0"). In summary, the available evidence is currently insufficient to determine the role of this variant in disease. Therefore, it has been classified as a Variant of Uncertain Significance.

Blueprint Genetics
Classification: Uncertain significance. Last evaluated: 2019-12-03. Review status: criteria provided, single submitter. Criteria: ACMG Guidelines, 2015. Collection method: clinical testing. Allele origin: germline.